The following is an entry in ClinVar:

ClinVar aggregate classification (germline): Pathogenic. Review status: criteria provided, multiple submitters, no conflicts (2 of 4 stars). 9 submissions from 9 submitters: Pathogenic (8). 1 of the submissions does not count toward it. Last evaluated 2025-11-03.

Conditions:
Spastic paraplegia. Identifiers: MedGen C0037772, HP:0001258.
Charlevoix-Saguenay spastic ataxia (SACS). Also called: AUTOSOMAL RECESSIVE SPASTIC ATAXIA OF CHARLEVOIX-SAGUENAY; Spastic ataxia of Charlevoix-Saguenay; SPASTIC ATAXIA 6, AUTOSOMAL RECESSIVE. Identifiers: Orphanet 98, MedGen C1849140, MONDO:0010041, OMIM 270550.

Allele frequency attached by ClinVar (database versions not stated): gnomAD exomes below 0.00001 and 0.00001; ExAC 0.00001.
gnomAD v4.1: 7 of 1,613,816 alleles (0.00043%); highest among the groups gnomAD compares: East Asian, 0.0022%; no homozygotes.

Submissions (9):

Labcorp Genetics (formerly Invitae), Labcorp
Classification: Pathogenic for Spastic paraplegia. Last evaluated: 2025-11-03. Review status: criteria provided, single submitter. Criteria: Invitae Variant Classification Sherloc (09022015). Collection method: clinical testing. Allele origin: germline.
Comment: This sequence change creates a premature translational stop signal (p.Arg2119*) in the SACS gene. While this is not anticipated to result in nonsense mediated decay, it is expected to disrupt the last 2461 amino acid(s) of the SACS protein. The frequency data for this variant in the population databases is considered unreliable, as metrics indicate poor data quality at this position in the gnomAD database. This premature translational stop signal has been observed in individual(s) with clinical features of hereditary spastic paraplegia (PMID: 17516465, 26068213, 26288984). ClinVar contains an entry for this variant (Variation ID: 556270). This variant disrupts a region of the SACS protein in which other variant(s) (p.Tyr4538*) have been determined to be pathogenic (internal data). This suggests that this is a clinically significant region of the protein, and that variants that disrupt it are likely to be disease-causing. For these reasons, this variant has been classified as Pathogenic.

CeGaT Center for Human Genetics Tuebingen
Classification: Pathogenic. Last evaluated: 2024-10-01. Review status: criteria provided, single submitter. Criteria: CeGaT Center For Human Genetics Tuebingen Variant Classification Criteria Version 2. Collection method: clinical testing. Allele origin: germline. Affected: yes. Observed: 1 variant allele.
Comment: SACS: PM3:Strong, PVS1:Strong, PM2

Natera, Inc.
Classification: Pathogenic for Charlevoix-Saguenay type spastic ataxia. Last evaluated: 2024-06-28. Review status: criteria provided, single submitter. Criteria: Natera Variant Classification Schema (03/2026). Collection method: clinical testing. Allele origin: germline.
Comment: The c.6355C>T variant in SACS is a nonsense variant predicted to introduce a stop codon at amino acid 2119. This variant is expected to result in nonsense mediated decay, truncation, or a dysfunctional protein product. This variant is rare in the general population with a frequency below the threshold expected for the associated phenotype(s). This variant has been observed in one or more individuals affected with the associated recessive disease, as either homozygous or compound heterozygous with a second variant (PMID: 26068213, 17516465). Given the available evidence, this variant is classified as Pathogenic.

Fulgent Genetics
Classification: Pathogenic for Charlevoix-Saguenay spastic ataxia. Last evaluated: 2024-01-15. Review status: criteria provided, single submitter. Criteria: ACMG Guidelines, 2015. Collection method: clinical testing. Allele origin: germline.

Baylor Genetics
Classification: Pathogenic for Charlevoix-Saguenay spastic ataxia. Last evaluated: 2024-01-04. Review status: criteria provided, single submitter. Criteria: ACMG Guidelines, 2015. Collection method: clinical testing. Allele origin: unknown.

Genome-Nilou Lab
Classification: Pathogenic for Charlevoix-Saguenay spastic ataxia. Last evaluated: 2021-09-05. Review status: criteria provided, single submitter. Criteria: ACMG Guidelines, 2015. Collection method: clinical testing. Allele origin: germline. Affected: no.

Women's Health and Genetics/Laboratory Corporation of America, LabCorp
Classification: Pathogenic for Charlevoix-Saguenay spastic ataxia. Last evaluated: 2021-03-05. Review status: criteria provided, single submitter. Criteria: LabCorp Variant Classification Summary - May 2015. Collection method: clinical testing. Allele origin: germline.
Comment: Variant summary: SACS c.6355C>T (p.Arg2119X) results in a premature termination codon, predicted to cause a truncation of the encoded protein or absence of the protein due to nonsense mediated decay, which are commonly known mechanisms for disease. Truncations downstream of this position have been classified as pathogenic by our laboratory. The variant allele was found at a frequency of 4e-06 in 250894 control chromosomes. c.6355C>T has been reported in the literature in individuals affected with Autosomal Recessive Spastic Ataxia Of Charlevoix-Saguenay (example, Hara_2007, Hamza_2015). These data indicate that the variant is likely to be associated with disease. To our knowledge, no experimental evidence demonstrating an impact on protein function has been reported. Two clinical diagnostic laboratories have submitted clinical-significance assessments for this variant to ClinVar after 2014 without evidence for independent evaluation. All laboratories classified the variant as pathogenic. One submitter cites overlapping evidence utilized in the context of this evaluation. Based on the evidence outlined above, the variant was classified as pathogenic.

Department of Genetics, Sultan Qaboos University Hospital
Classification: Pathogenic for Charlevoix-Saguenay spastic ataxia. Last evaluated: 2017-12-30. Review status: criteria provided, single submitter. Criteria: ACMG Guidelines, 2015. Collection method: clinical testing. Allele origin: unknown. Affected: yes.

Counsyl
Classification: Pathogenic for Charlevoix-Saguenay spastic ataxia. Last evaluated: 2018-01-23. Review status: no assertion criteria provided. Collection method: clinical testing. Allele origin: unknown. Not counted in ClinVar's aggregate classification.

Literature cited by the submitters: PubMed 17516465 (cited by 4 submitters); PubMed 26068213 (cited by 4 submitters); PubMed 26288984 (cited by Labcorp Genetics (formerly Invitae), Labcorp).

NM_014363.6(SACS):c.6355C>T (p.Arg2119Ter)

Gene: SACS (sacsin molecular chaperone; minus strand). Cytogenetic location: 13q12.12.
Variant type: single nucleotide variant.
Coding change: c.6355C>T on transcript NM_014363.6 (MANE Select); coding-DNA position 6355, C replaced by T.
Protein change: p.Arg2119Ter; replaces arginine 2119 with a stop codon.
Molecular consequence: nonsense.
Genome position (GRCh38, 1-based): chr13:23,337,521, G>A on the plus strand (C>T on the coding strand, the complement: SACS is on the minus strand). VCF-style: chr13-23337521-G-A. GRCh37 (hg19) VCF-style: chr13-23911660-G-A.
Other names: c.5914C>T, p.Arg1972Ter (NM_001278055.2); short protein forms R2119*, R1972*.
Identifiers: ClinVar variation 556270 (VCV000556270.34), dbSNP rs766711286, ClinGen allele CA6911095.